The following is an entry in ClinVar:

ClinVar aggregate classification (germline): Uncertain significance (1 of 4 stars; one submission).

Conditions:
Neuropathy, hereditary sensory and autonomic, type 2A (HSAN2A). Also called: ACROOSTEOLYSIS, GIACCAI TYPE; ACROOSTEOLYSIS, NEUROGENIC; MORVAN DISEASE; NEUROPATHY, CONGENITAL SENSORY; NEUROPATHY, HEREDITARY SENSORY RADICULAR, AUTOSOMAL RECESSIVE; NEUROPATHY, HEREDITARY SENSORY, TYPE IIA. Identifiers: Orphanet 970, MedGen C2752089, MONDO:0024309, OMIM 201300.
Pseudohypoaldosteronism type 2C (PHA2C). Also called: Pseudohypoaldosteronism Type IIC. Identifiers: Orphanet 757, Orphanet 88940, MedGen C1840391, MONDO:0013778, OMIM 614492.

gnomAD v4.1: 1 of 1,533,240 alleles (0.000065%); no homozygotes.

Submission:

Labcorp Genetics (formerly Invitae), Labcorp
Classification: Uncertain significance for Neuropathy, hereditary sensory and autonomic, type 2A; Pseudohypoaldosteronism type 2C. Last evaluated: 2024-09-02. Review status: criteria provided, single submitter. Criteria: Invitae Variant Classification Sherloc (09022015). Collection method: clinical testing. Allele origin: germline.
Comment: This sequence change replaces phenylalanine, which is neutral and non-polar, with leucine, which is neutral and non-polar, at codon 727 of the WNK1 protein (p.Phe727Leu). This variant is not present in population databases (gnomAD no frequency). This variant has not been reported in the literature in individuals affected with WNK1-related conditions. Invitae Evidence Modeling of protein sequence and biophysical properties (such as structural, functional, and spatial information, amino acid conservation, physicochemical variation, residue mobility, and thermodynamic stability) indicates that this missense variant is not expected to disrupt WNK1 protein function with a negative predictive value of 95%. In summary, the available evidence is currently insufficient to determine the role of this variant in disease. Therefore, it has been classified as a Variant of Uncertain Significance.

NM_213655.5(WNK1):c.2179T>C (p.Phe727Leu)

Gene: WNK1 (WNK lysine deficient protein kinase 1; plus strand). Cytogenetic location: 12p13.33.
Variant type: single nucleotide variant.
Coding change: c.2179T>C on transcript NM_213655.5 (MANE Plus Clinical); coding-DNA position 2179, T replaced by C.
Protein change: p.Phe727Leu; replaces phenylalanine 727 with leucine.
Molecular consequence: missense variant. On other transcripts: intron variant (3).
Genome position (GRCh38, 1-based): chr12:865,149, T>C. VCF-style: chr12-865149-T-C. GRCh37 (hg19) VCF-style: chr12-974315-T-C.
Other names: c.2140-2717T>C (NM_001184985.2); c.2139+2879T>C (NM_018979.4, NM_014823.3); short protein forms F727L.
Identifiers: ClinVar variation 3749813 (VCV003749813.2).